The following is an entry in ClinVar:

NM_006565.4(CTCF):c.1633del (p.Tyr545fs)

Gene: CTCF (CCCTC-binding factor; plus strand). Cytogenetic location: 16q22.1.
Variant type: Deletion.
Coding change: c.1633del on transcript NM_006565.4 (MANE Select); coding-DNA position 1633, one base deleted (T; older notation c.1633delT).
Protein change: p.Tyr545fs; shifts the reading frame from tyrosine 545.
Molecular consequence: frameshift variant.
Genome position (GRCh38, 1-based): chr16:67,628,484, T deleted. VCF-style (leftmost placement, unchanged base first): chr16-67628483-CT-C. GRCh37 (hg19) VCF-style: chr16-67662386-CT-C.
Other names: c.649del, p.Tyr217fs (NM_001191022.2); c.1633delT, p.Tyr545Ilefs (NM_001363916.2); short protein forms Y217fs, Y545fs.
Identifiers: ClinVar variation 3900669 (VCV003900669.1).

ClinVar aggregate classification (germline): Pathogenic (0 of 4 stars; one submission).

Conditions:
CTCF-related neurodevelopmental disorder. Also called: Intellectual disability-feeding difficulties-developmental delay-microcephaly syndrome; INTELLECTUAL DEVELOPMENTAL DISORDER, AUTOSOMAL DOMINANT 21. Identifiers: Orphanet 363611, MedGen C3809686, MONDO:0014213, OMIM 615502.

Submission:

Department of Rehabilitation, Anhui Provincial Children's Hospital
Classification: Pathogenic for CTCF-related neurodevelopmental disorder. Last evaluated: 2023-02-10. Review status: no assertion criteria provided. Collection method: clinical testing. Allele origin: de novo. Affected: yes.
Comment: The c.1633del variant in the CTCF gene is a frameshift mutation that may lead to premature termination of polypeptide synthesis, potentially disrupting gene function.